The following is an entry in ClinVar:

NM_004281.4(BAG3):c.49G>T (p.Gly17Cys)

Gene: BAG3 (BAG cochaperone 3; plus strand). Cytogenetic location: 10q26.11.
Variant type: single nucleotide variant.
Coding change: c.49G>T on transcript NM_004281.4 (MANE Select); coding-DNA position 49, G replaced by T.
Protein change: p.Gly17Cys; replaces glycine 17 with cysteine.
Molecular consequence: missense variant.
Genome position (GRCh38, 1-based): chr10:119,651,724, G>T. VCF-style: chr10-119651724-G-T. GRCh37 (hg19) VCF-style: chr10-121411236-G-T.
Other names: short protein forms G17C.
Identifiers: ClinVar variation 3760780 (VCV003760780.2).
Genomic context (GRCh38, chr10:119,651,724, plus strand): 5'-CCCCAACCCAGCATGAGCGCCGCCACCCACTCGCCCATGATGCAGGTGGCGTCCGGCAAC[G>T]GTGACCGCGACCCTTTGCCCCCCGGATGGGAGATCAAGATCGACCCGCAGACCGGCTGGC-3'
Protein context (NP_004272.2, residues 7-27): SPMMQVASGN[Gly17Cys]DRDPLPPGWE

ClinVar aggregate classification (germline): Uncertain significance (1 of 4 stars; one submission).

Conditions:
Dilated cardiomyopathy 1HH (CMD1HH). Identifiers: Orphanet 154, MedGen C3151293, MONDO:0013479, OMIM 613881.
Myofibrillar myopathy 6. Identifiers: Orphanet 199340, MedGen C2751831, MONDO:0013061, OMIM 612954.

Submission:

Labcorp Genetics (formerly Invitae), Labcorp
Classification: Uncertain significance for Dilated cardiomyopathy 1HH; Myofibrillar myopathy 6. Last evaluated: 2024-02-23. Review status: criteria provided, single submitter. Criteria: Invitae Variant Classification Sherloc (09022015). Collection method: clinical testing. Allele origin: germline.
Comment: This sequence change replaces glycine, which is neutral and non-polar, with cysteine, which is neutral and slightly polar, at codon 17 of the BAG3 protein (p.Gly17Cys). This variant is not present in population databases (gnomAD no frequency). This variant has not been reported in the literature in individuals affected with BAG3-related conditions. An algorithm developed to predict the effect of missense changes on protein structure and function (PolyPhen-2) suggests that this variant is likely to be disruptive. In summary, the available evidence is currently insufficient to determine the role of this variant in disease. Therefore, it has been classified as a Variant of Uncertain Significance.